The following is an entry in ClinVar:

NM_000435.3(NOTCH3):c.5164A>G (p.Met1722Val)

Gene: NOTCH3 (notch receptor 3; minus strand). Cytogenetic location: 19p13.12.
Variant type: single nucleotide variant.
Coding change: c.5164A>G on transcript NM_000435.3 (MANE Select); coding-DNA position 5164, A replaced by G.
Protein change: p.Met1722Val; replaces methionine 1722 with valine.
Molecular consequence: missense variant.
Genome position (GRCh38, 1-based): chr19:15,170,121, T>C on the plus strand (A>G on the coding strand, the complement: NOTCH3 is on the minus strand). VCF-style: chr19-15170121-T-C. GRCh37 (hg19) VCF-style: chr19-15280932-T-C.
Other names: short protein forms M1722V.
Identifiers: ClinVar variation 1474027 (VCV001474027.8), dbSNP rs1307548749, ClinGen allele CA404496753.

ClinVar aggregate classification (germline): Uncertain significance (1 of 4 stars; one submission).

Allele frequency attached by ClinVar (database versions not stated): gnomAD exomes below 0.00001 and 0.00001.

Submission:

Labcorp Genetics (formerly Invitae), Labcorp
Classification: Uncertain significance. Last evaluated: 2021-12-02. Review status: criteria provided, single submitter. Criteria: Invitae Variant Classification Sherloc (09022015). Collection method: clinical testing. Allele origin: germline.
Comment: In summary, the available evidence is currently insufficient to determine the role of this variant in disease. Therefore, it has been classified as a Variant of Uncertain Significance. Advanced modeling of protein sequence and biophysical properties (such as structural, functional, and spatial information, amino acid conservation, physicochemical variation, residue mobility, and thermodynamic stability) performed at Invitae indicates that this missense variant is not expected to disrupt NOTCH3 protein function. This variant has not been reported in the literature in individuals affected with NOTCH3-related conditions. The frequency data for this variant in the population databases is considered unreliable, as metrics indicate poor data quality at this position in the gnomAD database. This sequence change replaces methionine, which is neutral and non-polar, with valine, which is neutral and non-polar, at codon 1722 of the NOTCH3 protein (p.Met1722Val).